The following is an entry in ClinVar:

NM_000316.3(PTH1R):c.1645G>A (p.Glu549Lys)

Gene: PTH1R (parathyroid hormone 1 receptor; plus strand). Cytogenetic location: 3p21.31.
Variant type: single nucleotide variant.
Coding change: c.1645G>A on transcript NM_000316.3 (MANE Select); coding-DNA position 1645, G replaced by A.
Protein change: p.Glu549Lys; replaces glutamic acid 549 with lysine.
Molecular consequence: missense variant.
Genome position (GRCh38, 1-based): chr3:46,903,519, G>A. VCF-style: chr3-46903519-G-A. GRCh37 (hg19) VCF-style: chr3-46945009-G-A.
Other names: c.1645G>A, p.Glu549Lys (NM_001184744.1); short protein forms E549K.
Identifiers: ClinVar variation 1050981 (VCV001050981.7), dbSNP rs200667470, ClinGen allele CA2359596.

ClinVar aggregate classification (germline): Conflicting classifications of pathogenicity. Review status: criteria provided, conflicting classifications (1 of 4 stars). 3 submissions from 3 submitters: Uncertain significance (2); Likely benign (1). Last evaluated 2024-11-01.

Conditions:
Eiken syndrome (EKNS). Also called: BONE MODELING DEFECT OF HANDS AND FEET. Identifiers: Orphanet 79106, MedGen C1838779, MONDO:0010803, OMIM 600002.
Chondrodysplasia Blomstrand type (BOCD). Identifiers: Orphanet 50945, MedGen C1859148, MONDO:0008970, OMIM 215045.
Metaphyseal chondrodysplasia, Jansen type. Also called: PTH1R-Related Jansen Metaphyseal Chondrodysplasia; Metaphyseal chondrodysplasia Murk Jansen type. Identifiers: Orphanet 33067, MedGen C0265295, MONDO:0007982, OMIM 156400.
Primary failure of tooth eruption. Also called: PRIMARY RETENTION OF TEETH; UNERUPTED SECOND PRIMARY MOLAR; DENTAL NONERUPTION; POSTERIOR OPENBITE MALOCCLUSION, FAMILIAL. Identifiers: Orphanet 412206, MedGen C1852222, MONDO:0007434, OMIM 125350.

Allele frequency attached by ClinVar (database versions not stated): gnomAD 0.00003 and 0.00013; TOPMed 0.00005; ESP Exome Variant Server 0.00008; gnomAD exomes 0.00025; ExAC 0.00036; 1000 Genomes Project 30x 0.00109; 1000 Genomes Project 0.00120.
gnomAD v4.1: 175 of 1,613,892 alleles (0.011%); highest among the groups gnomAD compares: South Asian, 0.16%; no homozygotes.

Submissions (3):

Labcorp Genetics (formerly Invitae), Labcorp
Classification: Uncertain significance. Last evaluated: 2024-11-01. Review status: criteria provided, single submitter. Criteria: Invitae Variant Classification Sherloc (09022015). Collection method: clinical testing. Allele origin: germline.
Comment: This sequence change replaces glutamic acid, which is acidic and polar, with lysine, which is basic and polar, at codon 549 of the PTH1R protein (p.Glu549Lys). This variant is present in population databases (rs200667470, gnomAD 0.2%). This variant has not been reported in the literature in individuals affected with PTH1R-related conditions. ClinVar contains an entry for this variant (Variation ID: 1050981). An algorithm developed to predict the effect of missense changes on protein structure and function (PolyPhen-2) suggests that this variant is likely to be tolerated. In summary, the available evidence is currently insufficient to determine the role of this variant in disease. Therefore, it has been classified as a Variant of Uncertain Significance.

3billion
Classification: Likely benign for Eiken syndrome; Chondrodysplasia Blomstrand type. Last evaluated: 2024-09-20. Review status: criteria provided, single submitter. Criteria: ACMG Guidelines, 2015. Collection method: clinical testing. Allele origin: germline. Affected: no.
Comment: The homozygous variant was found in patients diagnosed with another variant in a different gene, with no symptoms related to the gene containing the homozygous variant.

Fulgent Genetics
Classification: Uncertain significance for Primary failure of tooth eruption; Metaphyseal chondrodysplasia, Jansen type; Chondrodysplasia Blomstrand type; Eiken syndrome. Last evaluated: 2021-08-19. Review status: criteria provided, single submitter. Criteria: ACMG Guidelines, 2015. Collection method: clinical testing. Allele origin: unknown.